The following is an entry in ClinVar:

NM_000937.5(POLR2A):c.28G>A (p.Asp10Asn)

Gene: POLR2A (RNA polymerase II subunit A; plus strand). Cytogenetic location: 17p13.1.
Variant type: single nucleotide variant.
Coding change: c.28G>A on transcript NM_000937.5 (MANE Select); coding-DNA position 28, G replaced by A.
Protein change: p.Asp10Asn; replaces aspartic acid 10 with asparagine.
Molecular consequence: missense variant.
Genome position (GRCh38, 1-based): chr17:7,484,792, G>A. VCF-style: chr17-7484792-G-A. GRCh37 (hg19) VCF-style: chr17-7388111-G-A.
Other names: short protein forms D10N.
Identifiers: ClinVar variation 4883412 (VCV004883412.2).

ClinVar aggregate classification (germline): Uncertain significance (1 of 4 stars; one submission).

Submission:

Dasa
Classification: Uncertain significance. Last evaluated: 2025-03-05. Review status: criteria provided, single submitter. Criteria: DASA Assertion Criteria. Collection method: clinical testing. Allele origin: germline.
Comment: NM_000937.5(POLR2A):c.28G>A (p.Asp10Asn) is a missense variant that results in the substitution of aspartic acid with asparagine. This variant is rare in population databases. Computational prediction algorithms are consistent with a benign effect. The currently available literature and clinical evidence are not sufficient to establish a definitive association between this variant and the reported condition. Therefore, this variant is classified as a variant of uncertain significance.